The following is an entry in ClinVar:

ClinVar aggregate classification (germline): Uncertain significance (1 of 4 stars; one submission).

gnomAD v4.1: 11 of 1,613,584 alleles (0.00068%); highest among the groups gnomAD compares: African/African-American, 0.0013%; no homozygotes.

Submission:

Labcorp Genetics (formerly Invitae), Labcorp
Classification: Uncertain significance. Last evaluated: 2021-12-21. Review status: criteria provided, single submitter. Criteria: Invitae Variant Classification Sherloc (09022015). Collection method: clinical testing. Allele origin: germline.
Comment: Algorithms developed to predict the effect of missense changes on protein structure and function output the following: SIFT: "Tolerated"; PolyPhen-2: "Benign"; Align-GVGD: "Class C0". The serine amino acid residue is found in multiple mammalian species, which suggests that this missense change does not adversely affect protein function. This sequence change replaces threonine, which is neutral and polar, with serine, which is neutral and polar, at codon 753 of the ADGRA3 protein (p.Thr753Ser). This variant is not present in population databases (gnomAD no frequency). This variant has not been reported in the literature in individuals affected with ADGRA3-related conditions. Algorithms developed to predict the effect of sequence changes on RNA splicing suggest that this variant may create or strengthen a splice site. In summary, the available evidence is currently insufficient to determine the role of this variant in disease. Therefore, it has been classified as a Variant of Uncertain Significance.

NM_145290.4(ADGRA3):c.2258C>G (p.Thr753Ser)

Gene: ADGRA3 (adhesion G protein-coupled receptor A3; minus strand). Cytogenetic location: 4p15.2.
Variant type: single nucleotide variant.
Coding change: c.2258C>G on transcript NM_145290.4 (MANE Select); coding-DNA position 2258, C replaced by G.
Protein change: p.Thr753Ser; replaces threonine 753 with serine.
Molecular consequence: missense variant.
Genome position (GRCh38, 1-based): chr4:22,402,774, G>C on the plus strand (C>G on the coding strand, the complement: ADGRA3 is on the minus strand). VCF-style: chr4-22402774-G-C. GRCh37 (hg19) VCF-style: chr4-22404397-G-C.
Other names: short protein forms T753S.
Identifiers: ClinVar variation 2199845 (VCV002199845.4), dbSNP rs763701661, ClinGen allele CA93495809.